The following is an entry in ClinVar:

ClinVar aggregate classification (germline): Likely pathogenic (1 of 4 stars; one submission).

Conditions:
Hereditary cancer-predisposing syndrome. Also called: Neoplastic Syndromes, Hereditary; Tumor predisposition; Hereditary Cancer Syndrome; Hereditary neoplastic syndrome. Identifiers: Orphanet 140162, MedGen C0027672, MeSH D009386, MONDO:0015356.

Submission:

Ambry Genetics
Classification: Likely pathogenic for Hereditary cancer-predisposing syndrome. Last evaluated: 2020-05-29. Review status: criteria provided, single submitter. Criteria: Ambry Variant Classification Scheme 2023. Collection method: clinical testing. Allele origin: germline.
Comment: The c.899_903+5del10insTAACAC variant spans the canonical donor site of coding exon 8 in the PMS2 gene. This variant results from a deletion of 10 nucleotides and insertion of 5 nucleotides at positions c.899 to c.903+5. The canonical donor site is highly conserved in available vertebrate species. This variant was not reported in population-based cohorts in the Genome Aggregation Database (gnomAD). Using the BDGP and ESEfinder splice site prediction tools, this alteration is predicted to abolish the native splice donor site; however, direct evidence is unavailable. Alterations that disrupt the canonical splice site are expected to cause aberrant splicing, resulting in an abnormal protein or a transcript that is subject to nonsense-mediated mRNA decay. As such, this alteration is classified as likely pathogenic.

NM_000535.7(PMS2):c.899_903+5delinsTAACAC

Gene: PMS2 (PMS1 homolog 2, mismatch repair system component; minus strand). Cytogenetic location: 7p22.1.
Variant type: Indel.
Coding change: c.899_903+5delinsTAACAC on transcript NM_000535.7 (MANE Select); coding-DNA position 899 through 5 bases into the intron after coding-DNA position 903, CAAAGGTATT replaced by TAACAC.
Molecular consequence: splice donor variant.
Genome position (GRCh38, 1-based): chr7:5,995,529-5,995,538, AATACCTTTG replaced by GTGTTA on the plus strand (CAAAGGTATT replaced by TAACAC on the coding strand, the reverse complement: PMS2 is on the minus strand). VCF-style: chr7-5995529-AATACCTTTG-GTGTTA. GRCh37 (hg19) VCF-style: chr7-6035160-AATACCTTTG-GTGTTA.
Other names: c.581_585+5delinsTAACAC (NM_001322008.2, NM_001322007.2); c.494_498+5delinsTAACAC (NM_001322010.2, NM_001322004.2, NM_001322003.2 and 2 more transcripts); c.326_330+5delinsTAACAC (NM_001322013.2); c.-35_-31+5delinsTAACAC (NM_001322012.2, NM_001322011.2); c.590_594+5delinsTAACAC (NM_001322015.2); c.899_903+5delinsTAACAC (NM_001322006.2, NM_001322014.2).
Identifiers: ClinVar variation 1765361 (VCV001765361.2), dbSNP rs2536138966, ClinGen allele CA2580076797.